The following is an entry in ClinVar:

NM_004793.4(LONP1):c.1944G>A (p.Pro648=)

Gene: LONP1 (lon peptidase 1, mitochondrial; minus strand). Cytogenetic location: 19p13.3.
Variant type: single nucleotide variant.
Coding change: c.1944G>A on transcript NM_004793.4 (MANE Select); coding-DNA position 1944, G replaced by A.
Protein change: p.Pro648=; no amino-acid change (proline 648 retained).
Molecular consequence: synonymous variant. On other transcripts: non-coding transcript variant (1).
Genome position (GRCh38, 1-based): chr19:5,696,123, C>T on the plus strand (G>A on the coding strand, the complement: LONP1 is on the minus strand). VCF-style: chr19-5696123-C-T. GRCh37 (hg19) VCF-style: chr19-5696134-C-T.
Other names: c.1752G>A, p.Pro584= (NM_001276479.2); c.1356G>A, p.Pro452= (NM_001276480.1).
Identifiers: ClinVar variation 719226 (VCV000719226.44), dbSNP rs202103798, ClinGen allele CA9114380.

ClinVar aggregate classification (germline): Likely benign. Review status: criteria provided, multiple submitters, no conflicts (2 of 4 stars). 3 submissions from 3 submitters: Likely benign (2). 1 of the submissions does not count toward it. Last evaluated 2026-01-01.

Conditions:
LONP1-related disorder. Also called: LONP1-related condition; LONP1-related disorders.

Allele frequency attached by ClinVar (database versions not stated): TOPMed 0.00005; ExAC 0.00008; gnomAD exomes 0.00012; gnomAD 0.00013; 1000 Genomes Project 30x 0.00031; 1000 Genomes Project 0.00040.

Submissions (3):

CeGaT Center for Human Genetics Tuebingen
Classification: Likely benign. Last evaluated: 2026-01-01. Review status: criteria provided, single submitter. Criteria: CeGaT Center For Human Genetics Tuebingen Variant Classification Criteria Version 2. Collection method: clinical testing. Allele origin: germline. Affected: yes. Observed: 2 variant alleles.
Comment: LONP1: BP4, BP7

Labcorp Genetics (formerly Invitae), Labcorp
Classification: Likely benign. Last evaluated: 2025-03-05. Review status: criteria provided, single submitter. Criteria: Invitae Variant Classification Sherloc (09022015). Collection method: clinical testing. Allele origin: germline.

PreventionGenetics, part of Exact Sciences
Classification: Likely benign for LONP1-related condition. Last evaluated: 2019-03-20. Review status: no assertion criteria provided. Collection method: clinical testing. Allele origin: germline. Not counted in ClinVar's aggregate classification.
Comment: This variant is classified as likely benign based on ACMG/AMP sequence variant interpretation guidelines (Richards et al. 2015 PMID: 25741868, with internal and published modifications).